The following is an entry in ClinVar:

ClinVar aggregate classification (germline): Uncertain significance (1 of 4 stars; one submission).

Submission:

CeGaT Center for Human Genetics Tuebingen
Classification: Uncertain significance. Last evaluated: 2025-11-01. Review status: criteria provided, single submitter. Criteria: CeGaT Center For Human Genetics Tuebingen Variant Classification Criteria Version 2. Collection method: clinical testing. Allele origin: germline. Affected: yes. Observed: 1 variant allele.
Comment: MACF1: PM2

NM_001394062.1(MACF1):c.20751G>C (p.Met6917Ile)

Gene: MACF1 (microtubule actin crosslinking factor 1; plus strand). Cytogenetic location: 1p34.3.
Variant type: single nucleotide variant.
Coding change: c.20751G>C on transcript NM_001394062.1 (MANE Select); coding-DNA position 20751, G replaced by C.
Protein change: p.Met6917Ile; replaces methionine 6917 with isoleucine.
Molecular consequence: missense variant.
Genome position (GRCh38, 1-based): chr1:39,453,715, G>C. VCF-style: chr1-39453715-G-C. GRCh37 (hg19) VCF-style: chr1-39919387-G-C.
Other names: c.8829G>C, p.Met2943Ile (NM_001397473.1); c.14574G>C, p.Met4858Ile (NM_012090.5); short protein forms M2943I, M4858I, M6917I.
Identifiers: ClinVar variation 4535214 (VCV004535214.6).
Genomic context (GRCh38, chr1:39,453,715, plus strand): 5'-TGCTGCTAATGTAGACTTTTTACGTTTTTGTTTTCAAATCTTTTTTGTTTAGGAATTCAT[G>C]AAGAAAGTAGAAGAAAAGCGAGTGGACGTTAACTCAGCAGTAGCCATGGGAGAAGTCATC-3'
Protein context (NP_001380991.1, residues 6907-6927): QSLIDTHKEF[Met6917Ile]KKVEEKRVDV